The following is an entry in ClinVar:

ClinVar aggregate classification (germline): Uncertain significance (1 of 4 stars; one submission).

Conditions:
Centromeric instability of chromosomes 1,9 and 16 and immunodeficiency (ICF1). Also called: CENTROMERIC INSTABILITY, IMMUNODEFICIENCY SYNDROME; Immunodeficiency-centromeric instability-facial anomalies; IMMUNE DEFICIENCY, VARIABLE, WITH CENTROMERIC INSTABILITY OF CHROMOSOMES 1, 9, AND 16; IMMUNODEFICIENCY SYNDROME, VARIABLE. Identifiers: Orphanet 2268, MedGen C0398788, MONDO:0000133.

Allele frequency attached by ClinVar (database versions not stated): gnomAD exomes below 0.00001; ESP Exome Variant Server 0.00008.
gnomAD v4.1: 2 of 1,614,112 alleles (0.00012%); highest among the groups gnomAD compares: Admixed American, 0.0017%; no homozygotes.

Submission:

Labcorp Genetics (formerly Invitae), Labcorp
Classification: Uncertain significance for Centromeric instability of chromosomes 1,9 and 16 and immunodeficiency. Last evaluated: 2023-10-13. Review status: criteria provided, single submitter. Criteria: Invitae Variant Classification Sherloc (09022015). Collection method: clinical testing. Allele origin: germline.
Comment: This sequence change replaces alanine, which is neutral and non-polar, with threonine, which is neutral and polar, at codon 207 of the DNMT3B protein (p.Ala207Thr). This variant is present in population databases (rs145326983, gnomAD 0.01%). This variant has not been reported in the literature in individuals affected with DNMT3B-related conditions. ClinVar contains an entry for this variant (Variation ID: 1358564). Advanced modeling of protein sequence and biophysical properties (such as structural, functional, and spatial information, amino acid conservation, physicochemical variation, residue mobility, and thermodynamic stability) performed at Invitae indicates that this missense variant is not expected to disrupt DNMT3B protein function. In summary, the available evidence is currently insufficient to determine the role of this variant in disease. Therefore, it has been classified as a Variant of Uncertain Significance.

NM_006892.4(DNMT3B):c.619G>A (p.Ala207Thr)

Gene: DNMT3B (DNA methyltransferase 3 beta; plus strand). Cytogenetic location: 20q11.21.
Variant type: single nucleotide variant.
Coding change: c.619G>A on transcript NM_006892.4 (MANE Select); coding-DNA position 619, G replaced by A.
Protein change: p.Ala207Thr; replaces alanine 207 with threonine.
Molecular consequence: missense variant.
Genome position (GRCh38, 1-based): chr20:32,787,416, G>A. VCF-style: chr20-32787416-G-A. GRCh37 (hg19) VCF-style: chr20-31375222-G-A.
Other names: c.493G>A, p.Ala165Thr (NM_001207055.2); c.391G>A, p.Ala131Thr (NM_001207056.2); c.619G>A, p.Ala207Thr (NM_175848.2, NM_175849.2); c.655G>A, p.Ala219Thr (NM_175850.3); short protein forms A207T, A131T, A165T, A219T.
Identifiers: ClinVar variation 1358564 (VCV001358564.8), dbSNP rs145326983, ClinGen allele CA313185300.